The following is an entry in ClinVar:

NM_022437.3(ABCG8):c.1463C>T (p.Thr488Ile)

Gene: ABCG8 (ATP binding cassette subfamily G member 8; plus strand). Cytogenetic location: 2p21.
Variant type: single nucleotide variant.
Coding change: c.1463C>T on transcript NM_022437.3 (MANE Select); coding-DNA position 1463, C replaced by T.
Protein change: p.Thr488Ile; replaces threonine 488 with isoleucine.
Molecular consequence: missense variant.
Genome position (GRCh38, 1-based): chr2:43,874,458, C>T. VCF-style: chr2-43874458-C-T. GRCh37 (hg19) VCF-style: chr2-44101597-C-T.
Other names: c.1460C>T, p.Thr487Ile (NM_001357321.2); short protein forms T487I, T488I.
Identifiers: ClinVar variation 3890223 (VCV003890223.1).
Genomic context (GRCh38, chr2:43,874,458, plus strand): 5'-ACTTTTTAGGTTACTCAGAGAGGGCAATGCTTTACTATGAACTGGAAGACGGGCTGTACA[C>T]CACTGGTCCATATTTCTTTGCCAAGGTGACTGGGCAGGGTTGAGAGCAAGTGCCCCCCAC-3'
Protein context (NP_071882.1, residues 478-498): LYYELEDGLY[Thr488Ile]TGPYFFAKIL

ClinVar aggregate classification (germline): Uncertain significance (1 of 4 stars; one submission).

Conditions:
Cardiovascular phenotype. Identifiers: MedGen CN230736.

Submission:

Ambry Genetics
Classification: Uncertain significance for Cardiovascular phenotype. Last evaluated: 2025-02-10. Review status: criteria provided, single submitter. Criteria: Ambry Variant Classification Scheme 2023. Collection method: clinical testing. Allele origin: germline.
Comment: The p.T488I variant (also known as c.1463C>T), located in coding exon 10 of the ABCG8 gene, results from a C to T substitution at nucleotide position 1463. The threonine at codon 488 is replaced by isoleucine, an amino acid with similar properties. This amino acid position is conserved. In addition, this alteration is predicted to be tolerated by in silico analysis. Based on the available evidence, the clinical significance of this variant remains unclear.